The following is an entry in ClinVar:

NM_006767.4(LZTR1):c.677dup (p.Ser227fs)

Gene: LZTR1 (leucine zipper like post translational regulator 1; plus strand). Cytogenetic location: 22q11.21.
Variant type: Duplication.
Coding change: c.677dup on transcript NM_006767.4 (MANE Select); coding-DNA position 677, one base duplicated (C; older notation c.677dupC).
Protein change: p.Ser227fs; shifts the reading frame from serine 227.
Molecular consequence: frameshift variant.
Genome position (GRCh38, 1-based): chr22:20,990,411, C duplicated; the last of 6 consecutive C bases (chr22:20,990,406-20,990,411); duplicating any one gives the same sequence. VCF-style (leftmost placement, unchanged base first): chr22-20990405-T-TC. GRCh37 (hg19) VCF-style: chr22-21344694-T-TC.
Other names: short protein forms S227fs.
Identifiers: ClinVar variation 1354445 (VCV001354445.15), dbSNP rs777054968, ClinGen allele CA10118587.
Genomic context (GRCh38, chr22:20,990,405, plus strand): 5'-GCCCTGTGAGGCCGGGGCTGAGCTGTCCTCTCCCCCTGCAGGTGGCCCAGAGTGGCGAGA[T>TC]CCCCCCATCTTGCTGCAACTTCCCCGTGGCTGTGTGCCGGGACAAGATGTTTGTATTCTC-3'

ClinVar aggregate classification (germline): Pathogenic/Likely pathogenic. Review status: criteria provided, multiple submitters, no conflicts (2 of 4 stars). 6 submissions from 6 submitters: Pathogenic (2); Likely pathogenic (4). Last evaluated 2025-10-29.

Conditions:
Hereditary cancer-predisposing syndrome. Also called: Hereditary Cancer Syndrome; Hereditary neoplastic syndrome; Tumor predisposition; Neoplastic Syndromes, Hereditary. Identifiers: Orphanet 140162, MedGen C0027672, MeSH D009386, MONDO:0015356.
Cardiovascular phenotype. Identifiers: MedGen CN230736.
Noonan syndrome 2 (NS2). Identifiers: Orphanet 648, MedGen C1854469, MONDO:0011531, OMIM 605275.
LZTR1-related schwannomatosis. Also called: Schwannomatosis-2, susceptibility to; Schwannomatosis 2. Identifiers: Orphanet 93921, MedGen C3810283, MONDO:0014299, OMIM 615670.

Submissions (6):

Labcorp Genetics (formerly Invitae), Labcorp
Classification: Pathogenic. Last evaluated: 2025-10-29. Review status: criteria provided, single submitter. Criteria: Invitae Variant Classification Sherloc (09022015). Collection method: clinical testing. Allele origin: germline.
Comment: This sequence change creates a premature translational stop signal (p.Ser227Ilefs*33) in the LZTR1 gene. It is expected to result in an absent or disrupted protein product. Loss-of-function variants in LZTR1 are known to be pathogenic (PMID: 24362817, 25335493, 25480913, 25795793, 29469822, 30368668, 30442762, 30442766, 30481304, 30859559). This variant is present in population databases (rs777054968, gnomAD 0.006%). This variant has not been reported in the literature in individuals affected with LZTR1-related conditions. ClinVar contains an entry for this variant (Variation ID: 1354445). For these reasons, this variant has been classified as Pathogenic.

Variantyx, Inc.
Classification: Likely pathogenic for Noonan syndrome 2. Last evaluated: 2025-09-25. Review status: criteria provided, single submitter. Criteria: Variantyx Assertion Criteria 2022. Collection method: clinical testing. Allele origin: germline. Inheritance: Autosomal recessive inheritance. Affected: no.
Comment: This is a frameshift variant in the LZTR1 gene (OMIM: 600574). Pathogenic variants in this gene have been associated with autosomal recessive Noonan syndrome 2. This variant introduces a premature termination codon in exon 8 out of 21 and is expected to result in loss of function, which is a known disease mechanism for LZTR1 in this disorder (PMID: 24362817, 25335493, 25480913, 25795793, 29469822, 30368668, 30442762, 30442766, 30481304, 30859559). (PVS1). This variant has a 0.0005% maximum allele frequency in non-founder control populations (PM2). Based on the current evidence, this variant is classified as likely pathogenic for autosomal recessive Noonan syndrome 2.

Ambry Genetics
Classification: Pathogenic for Cardiovascular phenotype; Hereditary cancer-predisposing syndrome. Last evaluated: 2025-03-08. Review status: criteria provided, single submitter. Criteria: Ambry Variant Classification Scheme 2023. Collection method: clinical testing. Allele origin: germline.
Comment: The c.677dupC variant, located in coding exon 8 of the LZTR1 gene, results from a duplication of C at nucleotide position 677, causing a translational frameshift with a predicted alternate stop codon (p.S227Ifs*33). This alteration is expected to result in loss of function by premature protein truncation or nonsense-mediated mRNA decay. Loss-of-function variants in LZTR1 are related to an increased risk for schwannomas and autosomal recessive Noonan syndrome; however, such associations with autosomal dominant Noonan syndrome have not been observed (Piotrowski A et al. Nat Genet. 2014 Feb;46:182-7; Yamamoto GL et al. J Med Genet. 2015 Jun;52:413-21; Johnston JJ et al. Genet Med. 2018 10;20:1175-1185). Based on the supporting evidence, this variant is pathogenic for an increased risk of LZTR1-related schwannomatosis (SWN) and would be expected to cause autosomal recessive Noonan syndrome when present along with a second pathogenic or likely pathogenic variant on the other allele; however, the association of this alteration with autosomal dominant Noonan syndrome is unlikely.

Baylor Genetics
Classification: Likely pathogenic for LZTR1-related schwannomatosis. Last evaluated: 2024-01-20. Review status: criteria provided, single submitter. Criteria: ACMG Guidelines, 2015. Collection method: clinical testing. Allele origin: unknown.

Revvity Omics, Revvity
Classification: Likely pathogenic. Last evaluated: 2022-02-03. Review status: criteria provided, single submitter. Criteria: ACMG Guidelines, 2015. Collection method: clinical testing. Allele origin: germline.

Juno Genomics, Hangzhou Juno Genomics, Inc
Classification: Likely pathogenic for LZTR1-related schwannomatosis. Review status: criteria provided, single submitter. Criteria: ACMG Guidelines, 2015. Collection method: clinical testing. Allele origin: germline.
Comment: Null variant in a gene where loss of function (LOF) is a known mechanism of disease.;Absent from controls (or at extremely low frequency if recessive) in Genome Aggregation Database.

Literature cited by the submitters: PubMed 24362817 (cited by Labcorp Genetics (formerly Invitae), Labcorp and Variantyx, Inc.); PubMed 25335493 (cited by Labcorp Genetics (formerly Invitae), Labcorp and Variantyx, Inc.); PubMed 25480913 (cited by Labcorp Genetics (formerly Invitae), Labcorp and Variantyx, Inc.); PubMed 25795793 (cited by Labcorp Genetics (formerly Invitae), Labcorp and Variantyx, Inc.); PubMed 29469822 (cited by Labcorp Genetics (formerly Invitae), Labcorp and Variantyx, Inc.); PubMed 30368668 (cited by Labcorp Genetics (formerly Invitae), Labcorp and Variantyx, Inc.); PubMed 30442762 (cited by Labcorp Genetics (formerly Invitae), Labcorp and Variantyx, Inc.); PubMed 30442766 (cited by Labcorp Genetics (formerly Invitae), Labcorp and Variantyx, Inc.); PubMed 30481304 (cited by Labcorp Genetics (formerly Invitae), Labcorp and Variantyx, Inc.); PubMed 30859559 (cited by Labcorp Genetics (formerly Invitae), Labcorp and Variantyx, Inc.).